The following is an entry in ClinVar:

ClinVar aggregate classification (germline): Uncertain significance. Review status: criteria provided, multiple submitters, no conflicts (2 of 4 stars). 3 submissions from 3 submitters: Uncertain significance (3). Last evaluated 2025-08-30.

Conditions:
Inborn genetic diseases. Identifiers: MedGen C0950123, MeSH D030342.

Submissions (3):

Ambry Genetics
Classification: Uncertain significance for Inborn genetic diseases. Last evaluated: 2025-08-30. Review status: criteria provided, single submitter. Criteria: Ambry Variant Classification Scheme 2023. Collection method: clinical testing. Allele origin: germline.

Mendelics
Classification: Uncertain significance. Last evaluated: 2022-05-04. Review status: criteria provided, single submitter. Criteria: Mendelics Assertion Criteria 2019. Collection method: clinical testing. Allele origin: germline.

Laboratorio de Genetica e Diagnostico Molecular, Hospital Israelita Albert Einstein
Classification: Uncertain significance. Last evaluated: 2021-06-29. Review status: criteria provided, single submitter. Criteria: ACMG Guidelines, 2015. Collection method: clinical testing. Allele origin: germline. Affected: yes.
Comment: ACMG classification criteria: PM2, PP2, BP4

NM_001003694.2(BRPF1):c.1755A>C (p.Lys585Asn)

Gene: BRPF1 (bromodomain and PHD finger containing 1; plus strand). Cytogenetic location: 3p25.3.
Variant type: single nucleotide variant.
Coding change: c.1755A>C on transcript NM_001003694.2 (MANE Select); coding-DNA position 1755, A replaced by C.
Protein change: p.Lys585Asn; replaces lysine 585 with asparagine.
Molecular consequence: missense variant. On other transcripts: non-coding transcript variant (1).
Genome position (GRCh38, 1-based): chr3:9,741,340, A>C. VCF-style: chr3-9741340-A-C. GRCh37 (hg19) VCF-style: chr3-9783024-A-C.
Other names: c.1755A>C (NM_001003694.1); c.1755A>C, p.Lys585Asn (NM_001319049.2, NM_001319050.2, NM_004634.3); short protein forms K585N.
Identifiers: ClinVar variation 1686526 (VCV001686526.4), dbSNP rs2125504238, ClinGen allele CA351690705.